The following is an entry in ClinVar:

ClinVar aggregate classification (germline): Pathogenic (1 of 4 stars; one submission).

Conditions:
Developmental and epileptic encephalopathy. Identifiers: MedGen C5779964, MONDO:0100620.

Submission:

Labcorp Genetics (formerly Invitae), Labcorp
Classification: Pathogenic for Early-infantile DEE. Last evaluated: 2017-10-31. Review status: criteria provided, single submitter. Criteria: Invitae Variant Classification Sherloc (09022015). Collection method: clinical testing. Allele origin: germline.
Comment: This sequence change creates a premature translational stop signal (p.Leu653*) in the SCN1A gene. It is expected to result in an absent or disrupted protein product. This variant is not present in population databases (ExAC no frequency). This variant has not been reported in the literature in individuals with SCN1A-related disease. Algorithms developed to predict the effect of sequence changes on RNA splicing suggest that this variant may create or strengthen a splice site, but this prediction has not been confirmed by published transcriptional studies. Loss-of-function variants in SCN1A are known to be pathogenic (PMID: 17347258, 18930999). For these reasons, this variant has been classified as Pathogenic.

NM_001165963.4(SCN1A):c.1958T>A (p.Leu653Ter)

Gene: SCN1A (sodium voltage-gated channel alpha subunit 1; minus strand). Cytogenetic location: 2q24.3.
Variant type: single nucleotide variant.
Coding change: c.1958T>A on transcript NM_001165963.4 (MANE Select); coding-DNA position 1958, T replaced by A.
Protein change: p.Leu653Ter; replaces leucine 653 with a stop codon.
Molecular consequence: nonsense. On other transcripts: 5 prime UTR variant (1), non-coding transcript variant (1).
Genome position (GRCh38, 1-based): chr2:166,043,754, A>T on the plus strand (T>A on the coding strand, the complement: SCN1A is on the minus strand). VCF-style: chr2-166043754-A-T. GRCh37 (hg19) VCF-style: chr2-166900264-A-T.
Other names: c.1958T>A, p.Leu653Ter (NM_001165964.3, NM_001202435.3, NM_001353948.2 and 7 more transcripts); c.1955T>A, p.Leu652Ter (NM_001353954.2, NM_001353955.2, NM_001353960.2); c.-468T>A (NM_001353961.2); short protein forms L653*, L652*.
Identifiers: ClinVar variation 530404 (VCV000530404.2), dbSNP rs1553544559, ClinGen allele CA349067207.
Genomic context (GRCh38, chr2:166,043,754, plus strand): 5'-ATTATCACCTCTGGCAGAAGCTGTCCAACAGGCGATGTAGGAACTGAAGGTCCACCAACC[A>T]AGGAAACCACACCATTGCAATCCACAGTGCTGTGCATCTTCCCATTCGCTGGAAACACTG-3'